The following is an entry in ClinVar:

NM_024685.4(BBS10):c.1606T>G (p.Tyr536Asp)

Gene: BBS10 (Bardet-Biedl syndrome 10; minus strand). Cytogenetic location: 12q21.2.
Variant type: single nucleotide variant.
Coding change: c.1606T>G on transcript NM_024685.4 (MANE Select); coding-DNA position 1606, T replaced by G.
Protein change: p.Tyr536Asp; replaces tyrosine 536 with aspartic acid.
Molecular consequence: missense variant.
Genome position (GRCh38, 1-based): chr12:76,346,379, A>C on the plus strand (T>G on the coding strand, the complement: BBS10 is on the minus strand). VCF-style: chr12-76346379-A-C. GRCh37 (hg19) VCF-style: chr12-76740159-A-C.
Other names: short protein forms Y536D.
Identifiers: ClinVar variation 1942039 (VCV001942039.2), dbSNP rs2136090060, ClinGen allele CA385810814.
Genomic context (GRCh38, chr12:76,346,379, plus strand): 5'-CTATTCTATTTCCCCTTGTTGAATAAGCAGTGGAATTGTTCTTGAGTAATGGTTCATAAT[A>C]ATCAGTTAGCCTGTTTCTTTCCAAAGACAAACATGTCAGCGTTTCAACTGTTTGGAATGT-3'
Protein context (NP_078961.3, residues 526-546): LSLERNRLTD[Tyr536Asp]YEPLLKNNST

ClinVar aggregate classification (germline): Uncertain significance (1 of 4 stars; one submission).

Conditions:
Bardet-Biedl syndrome (BBS). Identifiers: Orphanet 110, MedGen C0752166, MONDO:0015229.

Submission:

Labcorp Genetics (formerly Invitae), Labcorp
Classification: Uncertain significance for Bardet-Biedl syndrome. Last evaluated: 2021-12-13. Review status: criteria provided, single submitter. Criteria: Invitae Variant Classification Sherloc (09022015). Collection method: clinical testing. Allele origin: germline.
Comment: This sequence change replaces tyrosine, which is neutral and polar, with aspartic acid, which is acidic and polar, at codon 536 of the BBS10 protein (p.Tyr536Asp). This variant is not present in population databases (gnomAD no frequency). This variant has not been reported in the literature in individuals affected with BBS10-related conditions. Algorithms developed to predict the effect of missense changes on protein structure and function output the following: SIFT: "Tolerated"; PolyPhen-2: "Benign"; Align-GVGD: "Class C0". The aspartic acid amino acid residue is found in multiple mammalian species, which suggests that this missense change does not adversely affect protein function. In summary, the available evidence is currently insufficient to determine the role of this variant in disease. Therefore, it has been classified as a Variant of Uncertain Significance.